The following is an entry in ClinVar:

NM_007078.3(LDB3):c.690-5020A>T

Genes: LDB3 (LIM domain binding 3; plus strand), LOC110121486 (VISTA enhancer hs2143; plus strand). Cytogenetic location: 10q23.2.
Variant type: single nucleotide variant.
Coding change: c.690-5020A>T on transcript NM_007078.3 (MANE Select); 5020 bases into the intron before coding-DNA position 690, A replaced by T.
Molecular consequence: intron variant.
Genome position (GRCh38, 1-based): chr10:86,686,876, A>T. VCF-style: chr10-86686876-A-T. GRCh37 (hg19) VCF-style: chr10-88446633-A-T.
Other names: c.690-5020A>T (NM_001368064.1, NM_001368063.1, NM_001368065.1 and 1 more transcripts); c.345-193A>T (NM_001368068.1, NM_001368066.1, NM_001080114.2 and 2 more transcripts); c.690-193A>T (NM_001171610.2, NM_001171611.2).
Identifiers: ClinVar variation 672033 (VCV000672033.1), dbSNP rs1578895, ClinGen allele CA13311118.

ClinVar aggregate classification (germline): Benign (1 of 4 stars; one submission).

Allele frequency attached by ClinVar (database versions not stated): 1000 Genomes Project 0.53834; 1000 Genomes Project 30x 0.54154; TOPMed 0.61631; gnomAD 0.62980.
gnomAD v4.1: 95,630 of 151,052 alleles (63%); highest among the groups gnomAD compares: Non-Finnish European, 74%; 31,546 homozygotes.

Submission:

GeneDx
Classification: Benign. Last evaluated: 2018-06-14. Review status: criteria provided, single submitter. Criteria: GeneDx Variant Classification (06012015). Collection method: clinical testing. Allele origin: germline. Affected: yes.
Comment: This variant is considered likely benign or benign based on one or more of the following criteria: it is a conservative change, it occurs at a poorly conserved position in the protein, it is predicted to be benign by multiple in silico algorithms, and/or has population frequency not consistent with disease.